The following is an entry in ClinVar:

ClinVar aggregate classification (germline): Uncertain significance (1 of 4 stars; one submission).

Submission:

Labcorp Genetics (formerly Invitae), Labcorp
Classification: Uncertain significance. Last evaluated: 2023-04-07. Review status: criteria provided, single submitter. Criteria: Invitae Variant Classification Sherloc (09022015). Collection method: clinical testing. Allele origin: germline.
Comment: In summary, the available evidence is currently insufficient to determine the role of this variant in disease. Therefore, it has been classified as a Variant of Uncertain Significance. Algorithms developed to predict the effect of sequence changes on RNA splicing suggest that this variant may create or strengthen a splice site. This variant has not been reported in the literature in individuals affected with PPP2R5B-related conditions. This variant is not present in population databases (gnomAD no frequency). This sequence change falls in intron 4 of the PPP2R5B gene. It does not directly change the encoded amino acid sequence of the PPP2R5B protein.

NM_006244.4(PPP2R5B):c.498+9G>A

Genes: PPP2R5B (protein phosphatase 2 regulatory subunit B'beta; plus strand), LOC126861234 (BRD4-independent group 4 enhancer GRCh37_chr11:64694868-64696067; plus strand). Cytogenetic location: 11q13.1.
Variant type: single nucleotide variant.
Coding change: c.498+9G>A on transcript NM_006244.4 (MANE Select); 9 bases into the intron after coding-DNA position 498, G replaced by A.
Molecular consequence: intron variant.
Genome position (GRCh38, 1-based): chr11:64,927,912, G>A. VCF-style: chr11-64927912-G-A. GRCh37 (hg19) VCF-style: chr11-64695384-G-A.
Identifiers: ClinVar variation 2853369 (VCV002853369.3), dbSNP rs2498186337, ClinGen allele CA2739270576.
Genomic context (GRCh38, chr11:64,927,912, plus strand): 5'-TGACCCTGAAGAGGATGAGCCCAATCTTGAGCCTTCGTGGCCACACCTGCAGGTCTGAAG[G>A]GTTGGGGAAGACAGAGATCCAAGTTTCAGAAGAGATCCAAGGCATGGGGAGAGGGCCTCC-3'